The following is an entry in ClinVar:

NM_007126.5(VCP):c.1283A>T (p.Asp428Val)

Gene: VCP (valosin containing protein; minus strand). Cytogenetic location: 9p13.3.
Variant type: single nucleotide variant.
Coding change: c.1283A>T on transcript NM_007126.5 (MANE Select); coding-DNA position 1283, A replaced by T.
Protein change: p.Asp428Val; replaces aspartic acid 428 with valine.
Molecular consequence: missense variant.
Genome position (GRCh38, 1-based): chr9:35,061,091, T>A on the plus strand (A>T on the coding strand, the complement: VCP is on the minus strand). VCF-style: chr9-35061091-T-A. GRCh37 (hg19) VCF-style: chr9-35061088-T-A.
Other names: c.1148A>T, p.Asp383Val (NM_001354927.2, NM_001354928.2); short protein forms D383V, D428V.
Identifiers: ClinVar variation 1472483 (VCV001472483.8), dbSNP rs2131031300, ClinGen allele CA373282316.

ClinVar aggregate classification (germline): Uncertain significance (1 of 4 stars; one submission).

Conditions:
Frontotemporal dementia and/or amyotrophic lateral sclerosis 6 (FTDALS6). Also called: VCP-Related Amyotrophic Lateral Sclerosis/Frontotemporal Dementia; VCP-Related Amyotrophic Lateral Sclerosis. Identifiers: Orphanet 275872, Orphanet 803, MedGen C5436279, MONDO:0013501, OMIM 613954.
Inclusion body myopathy with Paget disease of bone and frontotemporal dementia. Also called: Inclusion body myopathy with early-onset Paget disease and frontotemporal dementia. Identifiers: Orphanet 52430, MedGen C1833662, MONDO:0000507.

Submission:

Labcorp Genetics (formerly Invitae), Labcorp
Classification: Uncertain significance for Inclusion body myopathy with Paget disease of bone and frontotemporal dementia; Frontotemporal dementia and/or amyotrophic lateral sclerosis 6. Last evaluated: 2021-12-02. Review status: criteria provided, single submitter. Criteria: Invitae Variant Classification Sherloc (09022015). Collection method: clinical testing. Allele origin: germline.
Comment: In summary, the available evidence is currently insufficient to determine the role of this variant in disease. Therefore, it has been classified as a Variant of Uncertain Significance. Advanced modeling of protein sequence and biophysical properties (such as structural, functional, and spatial information, amino acid conservation, physicochemical variation, residue mobility, and thermodynamic stability) performed at Invitae indicates that this missense variant is not expected to disrupt VCP protein function. This variant has not been reported in the literature in individuals affected with VCP-related conditions. This variant is not present in population databases (gnomAD no frequency). This sequence change replaces aspartic acid, which is acidic and polar, with valine, which is neutral and non-polar, at codon 428 of the VCP protein (p.Asp428Val).